The following is an entry in ClinVar:

NM_014633.5(CTR9):c.2296A>G (p.Thr766Ala)

Gene: CTR9 (CTR9 homolog, Paf1/RNA polymerase II complex component; plus strand). Cytogenetic location: 11p15.4.
Variant type: single nucleotide variant.
Coding change: c.2296A>G on transcript NM_014633.5 (MANE Select); coding-DNA position 2296, A replaced by G.
Protein change: p.Thr766Ala; replaces threonine 766 with alanine.
Molecular consequence: missense variant.
Genome position (GRCh38, 1-based): chr11:10,770,556, A>G. VCF-style: chr11-10770556-A-G. GRCh37 (hg19) VCF-style: chr11-10792103-A-G.
Other names: c.2296A>G, p.Thr766Ala (NM_001346279.2); short protein forms T766A.
Identifiers: ClinVar variation 1173025 (VCV001173025.2), dbSNP rs2135378796, ClinGen allele CA379675222.
Genomic context (GRCh38, chr11:10,770,556, plus strand): 5'-GTGGCACCCAGTGATACAGTTCTTATGTTTAATGTGGCCTTGGTCCTGCAAAGATTAGCT[A>G]CCTCTGTCCTGAAAGATGAAAAAAGTAATCTGAAGGAAGTACTTAATGCTGTGAAAGAAC-3'
Protein context (NP_055448.1, residues 756-776): NVALVLQRLA[Thr766Ala]SVLKDEKSNL

ClinVar aggregate classification (germline): Uncertain significance (1 of 4 stars; one submission).

Conditions:
CTR9-related neurodevelopmental disorder. Identifiers: MedGen CN378764, MONDO:1040006.

Submission:

Centre of Medical Genetics, University of Antwerp
Classification: Uncertain significance for CTR9-related neurodevelopmental disorder. Last evaluated: 2021-04-01. Review status: criteria provided, single submitter. Criteria: ACMG Guidelines, 2015. Collection method: research. Allele origin: unknown. Affected: yes.
Comment: PM2